The following is an entry in ClinVar:

NM_001372106.1(DNAH10):c.11037C>T (p.Ser3679=)

Gene: DNAH10 (dynein axonemal heavy chain 10; plus strand). Cytogenetic location: 12q24.31.
Variant type: single nucleotide variant.
Coding change: c.11037C>T on transcript NM_001372106.1 (MANE Select); coding-DNA position 11037, C replaced by T.
Protein change: p.Ser3679=; no amino-acid change (serine 3679 retained).
Molecular consequence: synonymous variant.
Genome position (GRCh38, 1-based): chr12:123,917,618, C>T. VCF-style: chr12-123917618-C-T. GRCh37 (hg19) VCF-style: chr12-124402165-C-T.
Other names: c.10683C>T, p.Ser3561= (NM_207437.3).
Identifiers: ClinVar variation 3770804 (VCV003770804.13).
Genomic context (GRCh38, chr12:123,917,618, plus strand): 5'-TGAGGGCCTCTCACTGTCCCCCACAGTCACGCTGAAGGGCCTGGAGGACCAGCTGCTGAG[C>T]GTGCTGGTGGCTTACGAGAGGCGGGAGCTGGAGGAGCAGCGGGAGCACCTCATCCAGGAG-3'
Protein context (NP_001359035.1, residues 3669-3689): TLKGLEDQLL[Ser3679=]VLVAYERREL

ClinVar aggregate classification (germline): Likely benign (1 of 4 stars; one submission).

gnomAD v4.1: 889 of 1,551,618 alleles (0.057%); highest among the groups gnomAD compares: Non-Finnish European, 0.069%; 2 homozygotes.

Submission:

CeGaT Center for Human Genetics Tuebingen
Classification: Likely benign. Last evaluated: 2025-01-01. Review status: criteria provided, single submitter. Criteria: CeGaT Center For Human Genetics Tuebingen Variant Classification Criteria Version 2. Collection method: clinical testing. Allele origin: germline. Affected: yes. Observed: 1 variant allele.
Comment: DNAH10: BP4, BP7